The following is an entry in ClinVar:

ClinVar aggregate classification (germline): Likely pathogenic (1 of 4 stars; one submission).

Conditions:
Severe myoclonic epilepsy in infancy (DRVT). Also called: Dravet syndrome; Epileptic encephalopathy, early infantile, 6 (Dravet syndrome); SEVERE MYOCLONIC EPILEPSY OF INFANCY; DEVELOPMENTAL AND EPILEPTIC ENCEPHALOPATHY 6A; Severe Myoclonic Epilepsy in Infancy (SMEI). Identifiers: Orphanet 33069, MedGen C0751122, MONDO:0100135, OMIM 607208.

Submission:

Department of Child Neurology, National Center Hospital, National Center of Neurology and Psychiatry
Classification: Likely pathogenic for Severe myoclonic epilepsy in infancy. Last evaluated: 2024-12-16. Review status: criteria provided, single submitter. Criteria: ACMG Guidelines, 2015. Collection method: clinical testing. Allele origin: unknown. Affected: yes. Observed: 1 variant allele.
Comment: This variant is a frameshift mutation predicted to result in nonsense-mediated mRNA decay (NMD). Based on the American College of Medical Genetics and Genomics (ACMG) standards and guidelines and recommendations from the ClinGen Sequence Variant Interpretation Working Group, This variant was classified as likely pathogenic.

NM_001165963.4(SCN1A):c.4229dup (p.Asn1410fs)

Genes: SCN1A (sodium voltage-gated channel alpha subunit 1; minus strand), LOC102724058 (uncharacterized LOC102724058; plus strand). Cytogenetic location: 2q24.3.
Variant type: Duplication.
Coding change: c.4229dup on transcript NM_001165963.4 (MANE Select); coding-DNA position 4229, one base duplicated (A; older notation c.4229dupA).
Protein change: p.Asn1410fs; shifts the reading frame from asparagine 1410.
Molecular consequence: frameshift variant. On other transcripts: non-coding transcript variant (1).
Genome position (GRCh38, 1-based): chr2:166,002,527, T duplicated on the plus strand (A on the coding strand, the reverse complement: SCN1A is on the minus strand); the first of 5 consecutive T bases (chr2:166,002,527-166,002,531); duplicating any one gives the same sequence. VCF-style (leftmost placement, unchanged base first): chr2-166002526-A-AT. GRCh37 (hg19) VCF-style: chr2-166859036-A-AT.
Other names: c.4145dup, p.Asn1382fs (NM_001165964.3, NM_001353957.2, NM_001353958.2); c.4229dup, p.Asn1410fs (NM_001202435.3, NM_001353948.2); c.4196dup, p.Asn1399fs (NM_001353949.2, NM_001353950.2, NM_001353951.2 and 2 more transcripts); c.4193dup, p.Asn1398fs (NM_001353954.2, NM_001353955.2); c.4142dup, p.Asn1381fs (NM_001353960.2); c.1787dup, p.Asn596fs (NM_001353961.2); short protein forms N1381fs, N1382fs, N1398fs, N1399fs, N1410fs, N596fs.
Identifiers: ClinVar variation 3774338 (VCV003774338.1).